The following is an entry in ClinVar:

ClinVar aggregate classification (germline): Uncertain significance (1 of 4 stars; one submission).

Conditions:
Baller-Gerold syndrome (BGS). Also called: CRANIOSYNOSTOSIS WITH RADIAL DEFECTS. Identifiers: Orphanet 1225, MedGen C0265308, MONDO:0009039, OMIM 218600.

Allele frequency attached by ClinVar (database versions not stated): gnomAD exomes 0.00002.
gnomAD v4.1: 28 of 1,612,482 alleles (0.0017%); highest among the groups gnomAD compares: Non-Finnish European, 0.0024%; no homozygotes.

Submission:

Labcorp Genetics (formerly Invitae), Labcorp
Classification: Uncertain significance for Baller-Gerold syndrome. Last evaluated: 2023-09-27. Review status: criteria provided, single submitter. Criteria: Invitae Variant Classification Sherloc (09022015). Collection method: clinical testing. Allele origin: germline.
Comment: This sequence change replaces phenylalanine, which is neutral and non-polar, with leucine, which is neutral and non-polar, at codon 987 of the RECQL4 protein (p.Phe987Leu). In summary, the available evidence is currently insufficient to determine the role of this variant in disease. Therefore, it has been classified as a Variant of Uncertain Significance. Advanced modeling of protein sequence and biophysical properties (such as structural, functional, and spatial information, amino acid conservation, physicochemical variation, residue mobility, and thermodynamic stability) performed at Invitae indicates that this missense variant is not expected to disrupt RECQL4 protein function. ClinVar contains an entry for this variant (Variation ID: 406928). This variant has not been reported in the literature in individuals affected with RECQL4-related conditions. This variant is not present in population databases (gnomAD no frequency).

NM_004260.4(RECQL4):c.2961T>G (p.Phe987Leu)

Gene: RECQL4 (RecQ like helicase 4; minus strand). Cytogenetic location: 8q24.3.
Variant type: single nucleotide variant.
Coding change: c.2961T>G on transcript NM_004260.4 (MANE Select); coding-DNA position 2961, T replaced by G.
Protein change: p.Phe987Leu; replaces phenylalanine 987 with leucine.
Molecular consequence: missense variant.
Genome position (GRCh38, 1-based): chr8:144,512,486, A>C on the plus strand (T>G on the coding strand, the complement: RECQL4 is on the minus strand). VCF-style: chr8-144512486-A-C. GRCh37 (hg19) VCF-style: chr8-145737869-A-C.
Other names: short protein forms F987L.
Identifiers: ClinVar variation 406928 (VCV000406928.4), dbSNP rs1060501363, ClinGen allele CA16612497.